The following is an entry in ClinVar:

ClinVar aggregate classification (germline): Benign/Likely benign. Review status: criteria provided, multiple submitters, no conflicts (2 of 4 stars). 9 submissions from 9 submitters: Benign (8); Likely benign (1). Last evaluated 2026-02-04.

Conditions:
Thrombocytopenia 2 (THC2). Also called: ANKRD26-Related Thrombocytopenia. Identifiers: Orphanet 268322, MedGen C1861185, MONDO:0008555, OMIM 188000.

Allele frequency attached by ClinVar (database versions not stated): ExAC 0.25714; 1000 Genomes Project 30x 0.33979; 1000 Genomes Project 0.34665; gnomAD exomes 0.19427 and 0.24170; ESP Exome Variant Server 0.21011; gnomAD 0.22780 and 0.23613; TOPMed 0.23172.
gnomAD v4.1: 319,860 of 1,607,082 alleles (20%); highest among the groups gnomAD compares: East Asian, 58%; 38,653 homozygotes.

Submissions (9):

Labcorp Genetics (formerly Invitae), Labcorp
Classification: Benign. Last evaluated: 2026-02-04. Review status: criteria provided, single submitter. Criteria: Invitae Variant Classification Sherloc (09022015). Collection method: clinical testing. Allele origin: germline.

ARUP Laboratories, Molecular Genetics and Genomics, ARUP Laboratories
Classification: Benign for Thrombocytopenia 2. Last evaluated: 2025-07-28. Review status: criteria provided, single submitter. Criteria: ARUP Molecular Germline Variant Investigation Process 2024. Collection method: clinical testing. Allele origin: germline.

Blueprint Genetics
Classification: Likely benign. Last evaluated: 2024-11-27. Review status: criteria provided, single submitter. Criteria: ACMG Guidelines, 2015. Collection method: clinical testing. Allele origin: germline.

Mayo Clinic Laboratories, Mayo Clinic
Classification: Benign. Last evaluated: 2022-10-21. Review status: criteria provided, single submitter. Criteria: ACMG Guidelines, 2015. Collection method: clinical testing. Allele origin: germline. Observed: 363 variant alleles.

Genome-Nilou Lab
Classification: Benign for Thrombocytopenia 2. Last evaluated: 2021-12-05. Review status: criteria provided, single submitter. Criteria: ACMG Guidelines, 2015. Collection method: clinical testing. Allele origin: germline. Affected: no.

GeneDx
Classification: Benign. Last evaluated: 2018-11-08. Review status: criteria provided, single submitter. Criteria: GeneDx Variant Classification Process June 2021. Collection method: clinical testing. Allele origin: germline. Affected: yes.

Illumina Laboratory Services, Illumina
Classification: Benign for Thrombocytopenia 2. Last evaluated: 2018-01-12. Review status: criteria provided, single submitter. Criteria: ICSL Variant Classification Criteria 13 December 2019. Collection method: clinical testing. Allele origin: germline.
Comment: This variant was observed in the ICSL laboratory as part of a predisposition screen in an ostensibly healthy population. It had not been previously curated by ICSL or reported in the Human Gene Mutation Database (HGMD: prior to June 1st, 2018), and was therefore a candidate for classification through an automated scoring system. Utilizing variant allele frequency, disease prevalence and penetrance estimates, and inheritance mode, an automated score was calculated to assess if this variant is too frequent to cause the disease. Based on the score and internal cut-off values, a variant classified as benign is not then subjected to further curation. The score for this variant resulted in a classification of benign for this disease.

Breakthrough Genomics
Classification: Benign. Review status: criteria provided, single submitter. Criteria: ACMG Guidelines, 2015. Collection method: not provided. Allele origin: germline. Inheritance: Autosomal dominant inheritance. Affected: yes.

PreventionGenetics, part of Exact Sciences
Classification: Benign. Review status: criteria provided, single submitter. Criteria: ACMG Guidelines, 2015. Collection method: clinical testing. Allele origin: germline.

NM_014915.3(ANKRD26):c.624A>G (p.Val208=)

Gene: ANKRD26 (ankyrin repeat domain 26; minus strand). Cytogenetic location: 10p12.1.
Variant type: single nucleotide variant.
Coding change: c.624A>G on transcript NM_014915.3 (MANE Select); coding-DNA position 624, A replaced by G.
Protein change: p.Val208=; no amino-acid change (valine 208 retained).
Molecular consequence: synonymous variant.
Genome position (GRCh38, 1-based): chr10:27,092,420, T>C on the plus strand (A>G on the coding strand, the complement: ANKRD26 is on the minus strand). VCF-style: chr10-27092420-T-C. GRCh37 (hg19) VCF-style: chr10-27381349-T-C.
Other names: p.Val208=; c.624A>G, p.Val208= (NM_001256053.2).
Identifiers: ClinVar variation 260473 (VCV000260473.24), dbSNP rs2297145, ClinGen allele CA5448871.
Genomic context (GRCh38, chr10:27,092,420, plus strand): 5'-TTAAACATACAAGTTTAAAAATCCAAAACAAAACCAGCTACTGTACCTTTCCAACTTATC[T>C]ACTGCATTTACATTTGCTTTTTTCTTTATTAAAAATTCCACCATTTGCTGCTTTTTTCCA-3'
Protein context (NP_055730.2, residues 198-218): LIKKKANVNA[Val208=]DKLESSHQLI